The following is an entry in ClinVar:

NM_000245.4(MET):c.904G>A (p.Glu302Lys)

Gene: MET (MET proto-oncogene, receptor tyrosine kinase; plus strand). Cytogenetic location: 7q31.2.
Variant type: single nucleotide variant.
Coding change: c.904G>A on transcript NM_000245.4 (MANE Select); coding-DNA position 904, G replaced by A.
Protein change: p.Glu302Lys; replaces glutamic acid 302 with lysine.
Molecular consequence: missense variant. On other transcripts: intron variant (1).
Genome position (GRCh38, 1-based): chr7:116,699,988, G>A. VCF-style: chr7-116699988-G-A. GRCh37 (hg19) VCF-style: chr7-116340042-G-A.
Other names: c.904G>A, p.Glu302Lys (NM_001127500.3, NM_001324401.3); c.-91+27411G>A (NM_001324402.2); short protein forms E302K.
Identifiers: ClinVar variation 4053967 (VCV004053967.1).
Genomic context (GRCh38, chr7:116,699,988, plus strand): 5'-TGTTCCATAAACTCTGGATTGCATTCCTACATGGAAATGCCTCTGGAGTGTATTCTCACA[G>A]AAAAGAGAAAAAAGAGATCCACAAAGAAGGAAGTGTTTAATATACTTCAGGCTGCGTATG-3'
Protein context (NP_000236.2, residues 292-312): MEMPLECILT[Glu302Lys]KRKKRSTKKE

ClinVar aggregate classification (germline): Uncertain significance (1 of 4 stars; one submission).

Conditions:
Hereditary cancer-predisposing syndrome. Also called: Neoplastic Syndromes, Hereditary; Tumor predisposition; Hereditary neoplastic syndrome; Hereditary Cancer Syndrome. Identifiers: Orphanet 140162, MedGen C0027672, MeSH D009386, MONDO:0015356.

Submission:

Ambry Genetics
Classification: Uncertain significance for Hereditary cancer-predisposing syndrome. Last evaluated: 2025-05-05. Review status: criteria provided, single submitter. Criteria: Ambry Variant Classification Scheme 2023. Collection method: clinical testing. Allele origin: germline.
Comment: The p.E302K variant (also known as c.904G>A), located in coding exon 1 of the MET gene, results from a G to A substitution at nucleotide position 904. The glutamic acid at codon 302 is replaced by lysine, an amino acid with similar properties. This amino acid position is conserved. In addition, this alteration is predicted to be tolerated by in silico analysis. Based on the available evidence, the clinical significance of this variant remains unclear.